The following is an entry in ClinVar:

ClinVar aggregate classification (germline): Uncertain significance. Review status: criteria provided, multiple submitters, no conflicts (2 of 4 stars). 3 submissions from 3 submitters: Uncertain significance (3). Last evaluated 2024-01-19.

Conditions:
Juvenile myelomonocytic leukemia (JMML). Also called: LEUKEMIA, JUVENILE MYELOMONOCYTIC, SOMATIC. Identifiers: Orphanet 86834, MedGen C0349639, MONDO:0011908, OMIM 607785, HP:0012209.
Hereditary cancer-predisposing syndrome. Also called: Neoplastic Syndromes, Hereditary; Tumor predisposition; Hereditary neoplastic syndrome; Hereditary Cancer Syndrome. Identifiers: Orphanet 140162, MedGen C0027672, MeSH D009386, MONDO:0015356.
Cardiovascular phenotype. Identifiers: MedGen CN230736.

Submissions (3):

Baylor Genetics
Classification: Uncertain significance for Juvenile myelomonocytic leukemia. Last evaluated: 2024-01-19. Review status: criteria provided, single submitter. Criteria: ACMG Guidelines, 2015. Collection method: clinical testing. Allele origin: unknown.

Genetic Services Laboratory, University of Chicago
Classification: Uncertain significance. Last evaluated: 2020-10-14. Review status: criteria provided, single submitter. Criteria: ACMG Guidelines, 2015. Collection method: clinical testing. Allele origin: germline. Affected: no.
Comment: DNA sequence analysis of the NF1 gene demonstrated a sequence change, c.4111G>A, in exon 31 that results in an amino acid change, p.Val1371Met. This sequence change does not appear to have been previously described in patients with NF1-related disorders and has also not been described in population databases (gnomAD, ExAC). The p.Val1371Met change affects a highly conserved amino acid residue located in a domain of the NF1 protein that is known to be functional. In-silico pathogenicity prediction tools (SIFT, PolyPhen2, Align GVGD, REVEL) provide contradictory results for the p.Val1371Met substitution. Due to these contrasting evidences and the lack of functional studies, the clinical significance of the p.Val1371Met change remains unknown at this time.

Ambry Genetics
Classification: Uncertain significance for Cardiovascular phenotype; Hereditary cancer-predisposing syndrome. Last evaluated: 2018-03-09. Review status: criteria provided, single submitter. Criteria: Ambry Variant Classification Scheme 2023. Collection method: clinical testing. Allele origin: germline.
Comment: The p.V1371M variant (also known as c.4111G>A) is located in coding exon 31 of the NF1 gene. The valine at codon 1371 is replaced by methionine, an amino acid with highly similar properties. This change occurs in the first base pair of coding exon 31. This amino acid position is highly conserved in available vertebrate species. In addition, the in silico prediction for this alteration is inconclusive. Since supporting evidence is limited at this time, the clinical significance of this alteration remains unclear.

NM_001042492.3(NF1):c.4174G>A (p.Val1392Met)

Gene: NF1 (neurofibromin 1; plus strand). Cytogenetic location: 17q11.2.
Variant type: single nucleotide variant.
Coding change: c.4174G>A on transcript NM_001042492.3 (MANE Select); coding-DNA position 4174, G replaced by A.
Protein change: p.Val1392Met; replaces valine 1392 with methionine.
Molecular consequence: missense variant.
Genome position (GRCh38, 1-based): chr17:31,258,344, G>A. VCF-style: chr17-31258344-G-A. GRCh37 (hg19) VCF-style: chr17-29585362-G-A.
Other names: c.4111G>A, p.Val1371Met (NM_000267.4); short protein forms V1392M, V1371M.
Identifiers: ClinVar variation 824602 (VCV000824602.9), dbSNP rs1597744525, ClinGen allele CA398997478.